The following is an entry in ClinVar:

NM_002693.3(POLG):c.3340G>A (p.Val1114Met)

Genes: POLG (DNA polymerase gamma, catalytic subunit; minus strand), POLGARF (POLG alternative reading frame; minus strand). Cytogenetic location: 15q26.1.
Variant type: single nucleotide variant.
Coding change: c.3340G>A on transcript NM_002693.3 (MANE Select); coding-DNA position 3340, G replaced by A.
Protein change: p.Val1114Met; replaces valine 1114 with methionine.
Molecular consequence: missense variant.
Genome position (GRCh38, 1-based): chr15:89,318,683, C>T on the plus strand (G>A on the coding strand, the complement: POLG is on the minus strand). VCF-style: chr15-89318683-C-T. GRCh37 (hg19) VCF-style: chr15-89861914-C-T.
Other names: c.3340G>A, p.Val1114Met (NM_001126131.2); short protein forms V1114M.
Identifiers: ClinVar variation 391876 (VCV000391876.2), dbSNP rs1057524270, ClinGen allele CA16607897.

ClinVar aggregate classification (germline): Uncertain significance (1 of 4 stars; one submission).

Submission:

GeneDx
Classification: Uncertain significance. Last evaluated: 2017-01-06. Review status: criteria provided, single submitter. Criteria: GeneDx Variant Classification (06012015). Collection method: clinical testing. Allele origin: germline. Affected: yes.
Comment: The V1114M variant in the POLG gene has not been reported previously as a pathogenic variant, nor as a benign variant, to our knowledge. The V1114M variant was not observed in approximately 6,500 individuals of European and African American ancestry in the NHLBI Exome Sequencing Project, indicating it is not a common benign variant in these populations. The V1114M variant is a conservative amino acid substitution, which is not likely to impact secondary protein structure as these residues share similar properties. This substitution occurs at a position that is conserved across species. In silico analysis is inconsistent in its predictions as to whether or not the variant is damaging to the protein structure/function. We interpret V1114M as a variant of uncertain significance.